The following is an entry in ClinVar:

ClinVar aggregate classification (germline): Benign/Likely benign. Review status: criteria provided, multiple submitters, no conflicts (2 of 4 stars). 5 submissions from 5 submitters: Benign (1); Likely benign (2). 2 of the submissions do not count toward it. Last evaluated 2026-01-26.

Conditions:
Hermansky-Pudlak syndrome (HPS). Also called: ALBINISM WITH HEMORRHAGIC DIATHESIS AND PIGMENTED RETICULOENDOTHELIAL CELLS. Identifiers: Orphanet 79430, MedGen C0079504, MONDO:0019312.
Hermansky-Pudlak syndrome 3 (HPS3). Identifiers: Orphanet 231512, Orphanet 79430, MedGen C3888001, MONDO:0013555, OMIM 614072.
HPS3-related disorder. Also called: HPS3-related condition.

Allele frequency attached by ClinVar (database versions not stated): gnomAD 0.00010 and 0.00013; gnomAD exomes 0.00012 and 0.00054; TOPMed 0.00025; ExAC 0.00038; 1000 Genomes Project 0.00080; 1000 Genomes Project 30x 0.00094.
gnomAD v4.1: 226 of 1,613,416 alleles (0.014%); highest among the groups gnomAD compares: East Asian, 0.37%; no homozygotes.

Submissions (5):

Labcorp Genetics (formerly Invitae), Labcorp
Classification: Benign. Last evaluated: 2026-01-26. Review status: criteria provided, single submitter. Criteria: Invitae Variant Classification Sherloc (09022015). Collection method: clinical testing. Allele origin: germline.

Blueprint Genetics
Classification: Likely benign. Last evaluated: 2024-10-07. Review status: criteria provided, single submitter. Criteria: ACMG Guidelines, 2015. Collection method: clinical testing. Allele origin: germline.

Illumina Laboratory Services, Illumina
Classification: Likely benign for Hermansky-Pudlak syndrome 3. Last evaluated: 2018-01-13. Review status: criteria provided, single submitter. Criteria: ICSL Variant Classification Criteria 13 December 2019. Collection method: clinical testing. Allele origin: germline.
Comment: This variant was observed in the ICSL laboratory as part of a predisposition screen in an ostensibly healthy population. It had not been previously curated by ICSL or reported in the Human Gene Mutation Database (HGMD: prior to June 1st, 2018), and was therefore a candidate for classification through an automated scoring system. Utilizing variant allele frequency, disease prevalence and penetrance estimates, and inheritance mode, an automated score was calculated to assess if this variant is too frequent to cause the disease. Based on the score and internal cut-off values, a variant classified as likely benign is not then subjected to further curation. The score for this variant resulted in a classification of likely benign for this disease.

Natera, Inc.
Classification: Likely benign for Hermansky-Pudlak syndrome. Last evaluated: 2020-05-02. Review status: no assertion criteria provided. Collection method: clinical testing. Allele origin: germline. Not counted in ClinVar's aggregate classification.

PreventionGenetics, part of Exact Sciences
Classification: Likely benign for HPS3-related condition. Last evaluated: 2019-03-26. Review status: no assertion criteria provided. Collection method: clinical testing. Allele origin: germline. Not counted in ClinVar's aggregate classification.
Comment: This variant is classified as likely benign based on ACMG/AMP sequence variant interpretation guidelines (Richards et al. 2015 PMID: 25741868, with internal and published modifications).

NM_032383.5(HPS3):c.2469A>G (p.Thr823=)

Genes: CP (ceruloplasmin; minus strand), HPS3 (HPS3 biogenesis of lysosomal organelles complex 2 subunit 1; plus strand). Cytogenetic location: 3q24.
Variant type: single nucleotide variant.
Coding change: c.2469A>G on transcript NM_032383.5 (MANE Select); coding-DNA position 2469, A replaced by G.
Protein change: p.Thr823=; no amino-acid change (threonine 823 retained).
Molecular consequence: synonymous variant. On other transcripts: non-coding transcript variant (1).
Genome position (GRCh38, 1-based): chr3:149,162,866, A>G. VCF-style: chr3-149162866-A-G. GRCh37 (hg19) VCF-style: chr3-148880653-A-G.
Other names: c.1974A>G, p.Thr658= (NM_001308258.2).
Identifiers: ClinVar variation 728608 (VCV000728608.18), dbSNP rs370137287, ClinGen allele CA2660353.